The following is an entry in ClinVar:

NM_001844.5(COL2A1):c.2281G>T (p.Ala761Ser)

Gene: COL2A1 (collagen type II alpha 1 chain; minus strand). Cytogenetic location: 12q13.11.
Variant type: single nucleotide variant.
Coding change: c.2281G>T on transcript NM_001844.5 (MANE Select); coding-DNA position 2281, G replaced by T.
Protein change: p.Ala761Ser; replaces alanine 761 with serine.
Molecular consequence: missense variant.
Genome position (GRCh38, 1-based): chr12:47,982,522, C>A on the plus strand (G>T on the coding strand, the complement: COL2A1 is on the minus strand). VCF-style: chr12-47982522-C-A. GRCh37 (hg19) VCF-style: chr12-48376305-C-A.
Other names: c.2074G>T, p.Ala692Ser (NM_033150.3); c.2281G>T (NM_001844.4); short protein forms A761S, A692S.
Identifiers: ClinVar variation 2101642 (VCV002101642.5), dbSNP rs751436440, ClinGen allele CA384545956.

ClinVar aggregate classification (germline): Uncertain significance. Review status: criteria provided, multiple submitters, no conflicts (2 of 4 stars). 2 submissions from 2 submitters: Uncertain significance (2). Last evaluated 2023-02-09.

gnomAD v4.1: 1 of 1,613,654 alleles (0.000062%); highest among the groups gnomAD compares: Non-Finnish European, 0.000085%; no homozygotes.

Submissions (2):

GeneDx
Classification: Uncertain significance. Last evaluated: 2023-02-09. Review status: criteria provided, single submitter. Criteria: GeneDx Variant Classification Process June 2021. Collection method: clinical testing. Allele origin: germline. Affected: yes.
Comment: Has not been previously published as pathogenic or benign to our knowledge; Not observed at significant frequency in large population cohorts (gnomAD); In silico analysis supports that this missense variant does not alter protein structure/function; Occurs in the triple helical domain at the Y position in the canonical Gly-X-Y repeat; although this variant may have an effect on normal protein folding and function, missense substitution at the Y position is not a common mechanism of disease (HGMD)

Labcorp Genetics (formerly Invitae), Labcorp
Classification: Uncertain significance. Last evaluated: 2022-09-15. Review status: criteria provided, single submitter. Criteria: Invitae Variant Classification Sherloc (09022015). Collection method: clinical testing. Allele origin: germline.
Comment: In summary, the available evidence is currently insufficient to determine the role of this variant in disease. Therefore, it has been classified as a Variant of Uncertain Significance. Advanced modeling of protein sequence and biophysical properties (such as structural, functional, and spatial information, amino acid conservation, physicochemical variation, residue mobility, and thermodynamic stability) performed at Invitae indicates that this missense variant is not expected to disrupt COL2A1 protein function. This variant has not been reported in the literature in individuals affected with COL2A1-related conditions. This variant is not present in population databases (gnomAD no frequency). This sequence change replaces alanine, which is neutral and non-polar, with serine, which is neutral and polar, at codon 761 of the COL2A1 protein (p.Ala761Ser).